The following is an entry in ClinVar:

ClinVar aggregate classification (germline): Benign/Likely benign. Review status: criteria provided, multiple submitters, no conflicts (2 of 4 stars). 5 submissions from 5 submitters: Benign (3); Likely benign (1). 1 of the submissions does not count toward it. Last evaluated 2026-02-03.

Conditions:
ABRAXAS1-related disorder. Also called: ABRAXAS1-related condition.

Allele frequency attached by ClinVar (database versions not stated): gnomAD 0.00036 and 0.00046; TOPMed 0.00055; gnomAD exomes 0.00060; ExAC 0.00067; 1000 Genomes Project 0.00140; 1000 Genomes Project 30x 0.00203.
gnomAD v4.1: 403 of 1,595,504 alleles (0.025%); highest among the groups gnomAD compares: East Asian, 0.58%; 1 homozygote.

Submissions (5):

Labcorp Genetics (formerly Invitae), Labcorp
Classification: Benign. Last evaluated: 2026-02-03. Review status: criteria provided, single submitter. Criteria: Invitae Variant Classification Sherloc (09022015). Collection method: clinical testing. Allele origin: germline.

Ambry Genetics
Classification: Likely benign. Last evaluated: 2022-02-12. Review status: criteria provided, single submitter. Criteria: Ambry Variant Classification Scheme 2023. Collection method: clinical testing. Allele origin: germline.

Women's Health and Genetics/Laboratory Corporation of America, LabCorp
Classification: Benign. Last evaluated: 2016-05-20. Review status: criteria provided, single submitter. Criteria: LabCorp Variant Classification Summary - May 2015. Collection method: clinical testing. Allele origin: germline.
Comment: Variant summary: The FAM175A c.33G>C (p.Ser11Ser) variant causes a synonymous change involving a non-conserved nucleotide with 5/5 splice prediction tools predicting no significant impact on splicing. The variant of interest was observed in the large and broad control populations of ExAC with an allele frequency of 75/112322 control chromosomes (1 homozygote, 1/1497, frequency: 0.0006677), predominantly in the East Asian cohort (1 homozygote, 1/119, frequency: 0.008 (70/8348)), which significantly exceeds the estimated maximal expected allele frequency for a pathogenic FAM175A variant of 1/31948 (0.0000313). This suggests that the variant is a polymorphism found mainly in population(s) of East Asian origin. In addition, a clinical laboratory also cites the variant in ClinVar as "benign." Therefore, taken all available lines of evidence into consideration, the variant of interest is classified as Benign.

GeneDx
Classification: Benign. Last evaluated: 2014-01-06. Review status: criteria provided, single submitter. Criteria: GeneDx Variant Classification (06012015). Collection method: clinical testing. Allele origin: germline. Affected: yes.
Comment: This variant is considered likely benign or benign based on one or more of the following criteria: it is a conservative change, it occurs at a poorly conserved position in the protein, it is predicted to be benign by multiple in silico algorithms, and/or has population frequency not consistent with disease.

PreventionGenetics, part of Exact Sciences
Classification: Benign for ABRAXAS1-related condition. Last evaluated: 2019-05-24. Review status: no assertion criteria provided. Collection method: clinical testing. Allele origin: germline. Not counted in ClinVar's aggregate classification.
Comment: This variant is classified as benign based on ACMG/AMP sequence variant interpretation guidelines (Richards et al. 2015 PMID: 25741868, with internal and published modifications).

NM_139076.3(ABRAXAS1):c.33G>C (p.Ser11=)

Genes: ABRAXAS1 (abraxas 1, BRCA1 A complex subunit; minus strand), LOC129992784 (ATAC-STARR-seq lymphoblastoid silent region 15542; plus strand). Cytogenetic location: 4q21.23.
Variant type: single nucleotide variant.
Coding change: c.33G>C on transcript NM_139076.3 (MANE Select); coding-DNA position 33, G replaced by C.
Protein change: p.Ser11=; no amino-acid change (serine 11 retained).
Molecular consequence: synonymous variant. On other transcripts: 5 prime UTR variant (1).
Genome position (GRCh38, 1-based): chr4:83,485,040, C>G on the plus strand (G>C on the coding strand, the complement: ABRAXAS1 is on the minus strand). VCF-style: chr4-83485040-C-G. GRCh37 (hg19) VCF-style: chr4-84406193-C-G.
Other names: p.S11S:TCG>TCC; c.-228G>C (NM_001345962.2).
Identifiers: ClinVar variation 182464 (VCV000182464.15), dbSNP rs368088450, ClinGen allele CA299128.